The following is an entry in ClinVar:

ClinVar aggregate classification (germline): Uncertain significance (1 of 4 stars; one submission).

Allele frequency attached by ClinVar (database versions not stated): gnomAD exomes below 0.00001; TOPMed below 0.00001; gnomAD 0.00001.
gnomAD v4.1: 4 of 1,613,920 alleles (0.00025%); highest among the groups gnomAD compares: Non-Finnish European, 0.00034%; no homozygotes.

Submission:

Labcorp Genetics (formerly Invitae), Labcorp
Classification: Uncertain significance. Last evaluated: 2025-10-07. Review status: criteria provided, single submitter. Criteria: Invitae Variant Classification Sherloc (09022015). Collection method: clinical testing. Allele origin: germline.
Comment: This sequence change replaces histidine, which is basic and polar, with arginine, which is basic and polar, at codon 185 of the TNFRSF11A protein (p.His185Arg). This variant is present in population databases (no rsID available, gnomAD 0.002%). This variant has not been reported in the literature in individuals affected with TNFRSF11A-related conditions. ClinVar contains an entry for this variant (Variation ID: 1387241). Invitae Evidence Modeling of protein sequence and biophysical properties (such as structural, functional, and spatial information, amino acid conservation, physicochemical variation, residue mobility, and thermodynamic stability) indicates that this missense variant is not expected to disrupt TNFRSF11A protein function with a negative predictive value of 80%. In summary, the available evidence is currently insufficient to determine the role of this variant in disease. Therefore, it has been classified as a Variant of Uncertain Significance.

NM_003839.4(TNFRSF11A):c.554A>G (p.His185Arg)

Gene: TNFRSF11A (TNF receptor superfamily member 11a; plus strand). Cytogenetic location: 18q21.33.
Variant type: single nucleotide variant.
Coding change: c.554A>G on transcript NM_003839.4 (MANE Select); coding-DNA position 554, A replaced by G.
Protein change: p.His185Arg; replaces histidine 185 with arginine.
Molecular consequence: missense variant.
Genome position (GRCh38, 1-based): chr18:62,359,987, A>G. VCF-style: chr18-62359987-A-G. GRCh37 (hg19) VCF-style: chr18-60027220-A-G.
Other names: c.554A>G, p.His185Arg (NM_001270949.2, NM_001270950.2, NM_001270951.2); c.512A>G, p.His171Arg (NM_001278268.2); short protein forms H171R, H185R.
Identifiers: ClinVar variation 1387241 (VCV001387241.8), dbSNP rs1347276281, ClinGen allele CA402613622.